The following is an entry in ClinVar:

NM_004525.3(LRP2):c.12357C>G (p.Tyr4119Ter)

Gene: LRP2 (LDL receptor related protein 2; minus strand). Cytogenetic location: 2q31.1.
Variant type: single nucleotide variant.
Coding change: c.12357C>G on transcript NM_004525.3 (MANE Select); coding-DNA position 12357, C replaced by G.
Protein change: p.Tyr4119Ter; replaces tyrosine 4119 with a stop codon.
Molecular consequence: nonsense.
Genome position (GRCh38, 1-based): chr2:169,152,903, G>C on the plus strand (C>G on the coding strand, the complement: LRP2 is on the minus strand). VCF-style: chr2-169152903-G-C. GRCh37 (hg19) VCF-style: chr2-170009413-G-C.
Other names: short protein forms Y4119*.
Identifiers: ClinVar variation 2829715 (VCV002829715.3), dbSNP rs2545677218, ClinGen allele CA349135322.

ClinVar aggregate classification (germline): Pathogenic (1 of 4 stars; one submission).

Submission:

Labcorp Genetics (formerly Invitae), Labcorp
Classification: Pathogenic. Last evaluated: 2023-01-17. Review status: criteria provided, single submitter. Criteria: Invitae Variant Classification Sherloc (09022015). Collection method: clinical testing. Allele origin: germline.
Comment: This variant has not been reported in the literature in individuals affected with LRP2-related conditions. For these reasons, this variant has been classified as Pathogenic. This sequence change creates a premature translational stop signal (p.Tyr4119*) in the LRP2 gene. It is expected to result in an absent or disrupted protein product. Loss-of-function variants in LRP2 are known to be pathogenic (PMID: 17632512, 25682901). This variant is not present in population databases (gnomAD no frequency).

Literature cited by the submitters: PubMed 17632512; PubMed 25682901.